The following is an entry in ClinVar:

ClinVar aggregate classification (germline): Uncertain significance (1 of 4 stars; one submission).

gnomAD v4.1: 2 of 1,614,210 alleles (0.00012%); highest among the groups gnomAD compares: Non-Finnish European, 0.00017%; no homozygotes.

Submission:

Labcorp Genetics (formerly Invitae), Labcorp
Classification: Uncertain significance. Last evaluated: 2022-04-01. Review status: criteria provided, single submitter. Criteria: Invitae Variant Classification Sherloc (09022015). Collection method: clinical testing. Allele origin: germline.
Comment: This variant has not been reported in the literature in individuals affected with TTBK2-related conditions. This variant is not present in population databases (gnomAD no frequency). This sequence change replaces isoleucine, which is neutral and non-polar, with phenylalanine, which is neutral and non-polar, at codon 782 of the TTBK2 protein (p.Ile782Phe). Algorithms developed to predict the effect of missense changes on protein structure and function (SIFT, PolyPhen-2, Align-GVGD) all suggest that this variant is likely to be tolerated. In summary, the available evidence is currently insufficient to determine the role of this variant in disease. Therefore, it has been classified as a Variant of Uncertain Significance.

NM_173500.4(TTBK2):c.2344A>T (p.Ile782Phe)

Gene: TTBK2 (tau tubulin kinase 2; minus strand). Cytogenetic location: 15q15.2.
Variant type: single nucleotide variant.
Coding change: c.2344A>T on transcript NM_173500.4 (MANE Select); coding-DNA position 2344, A replaced by T.
Protein change: p.Ile782Phe; replaces isoleucine 782 with phenylalanine.
Molecular consequence: missense variant.
Genome position (GRCh38, 1-based): chr15:42,752,902, T>A on the plus strand (A>T on the coding strand, the complement: TTBK2 is on the minus strand). VCF-style: chr15-42752902-T-A. GRCh37 (hg19) VCF-style: chr15-43045100-T-A.
Other names: short protein forms I782F.
Identifiers: ClinVar variation 2107295 (VCV002107295.4), dbSNP rs749726502, ClinGen allele CA392074498.